The following is an entry in ClinVar:

ClinVar aggregate classification (germline): Uncertain significance (1 of 4 stars; one submission).

Conditions:
Hereditary cancer-predisposing syndrome. Also called: Neoplastic Syndromes, Hereditary; Hereditary Cancer Syndrome; Tumor predisposition; Hereditary neoplastic syndrome. Identifiers: Orphanet 140162, MedGen C0027672, MeSH D009386, MONDO:0015356.

gnomAD v4.1: 1 of 1,614,000 alleles (0.000062%); highest among the groups gnomAD compares: Non-Finnish European, 0.000085%; no homozygotes.

Submission:

Ambry Genetics
Classification: Uncertain significance for Hereditary cancer-predisposing syndrome. Last evaluated: 2025-01-11. Review status: criteria provided, single submitter. Criteria: Ambry Variant Classification Scheme 2023. Collection method: clinical testing. Allele origin: germline.
Comment: The p.Q2068R variant (also known as c.6203A>G), located in coding exon 45 of the POLE gene, results from an A to G substitution at nucleotide position 6203. The glutamine at codon 2068 is replaced by arginine, an amino acid with highly similar properties. This amino acid position is conserved. In addition, the in silico prediction for this alteration is inconclusive. Based on the available evidence, the clinical significance of this variant remains unclear.

NM_006231.4(POLE):c.6203A>G (p.Gln2068Arg)

Gene: POLE (DNA polymerase epsilon, catalytic subunit; minus strand). Cytogenetic location: 12q24.33.
Variant type: single nucleotide variant.
Coding change: c.6203A>G on transcript NM_006231.4 (MANE Select); coding-DNA position 6203, A replaced by G.
Protein change: p.Gln2068Arg; replaces glutamine 2068 with arginine.
Molecular consequence: missense variant.
Genome position (GRCh38, 1-based): chr12:132,632,442, T>C on the plus strand (A>G on the coding strand, the complement: POLE is on the minus strand). VCF-style: chr12-132632442-T-C. GRCh37 (hg19) VCF-style: chr12-133209028-T-C.
Other names: short protein forms Q2068R.
Identifiers: ClinVar variation 3781502 (VCV003781502.1).